The following is an entry in ClinVar:

NM_016955.4(SEPSECS):c.154del (p.Glu52fs)

Gene: SEPSECS (Sep (O-phosphoserine) tRNA:Sec (selenocysteine) tRNA synthase; minus strand). Cytogenetic location: 4p15.2.
Variant type: Deletion.
Coding change: c.154del on transcript NM_016955.4 (MANE Select); coding-DNA position 154, one base deleted (G; older notation c.154delG).
Protein change: p.Glu52fs; shifts the reading frame from glutamic acid 52.
Molecular consequence: frameshift variant.
Genome position (GRCh38, 1-based): chr4:25,159,068, C deleted on the plus strand (G on the coding strand, the reverse complement: SEPSECS is on the minus strand). VCF-style (leftmost placement, unchanged base first): chr4-25159067-TC-T. GRCh37 (hg19) VCF-style: chr4-25160689-TC-T.
Other names: short protein forms E52fs.
Identifiers: ClinVar variation 1361835 (VCV001361835.7), dbSNP rs2109039199, ClinGen allele CA2573137669.
Genomic context (GRCh38, chr4:25,159,067, plus strand): 5'-ACACCACAATTGCCTAAGAAATTGTTGCTGTCCATGATTGCAAGTTCATGTAAAAAGAGT[TC>T]AAGTGTACTTTCATCCCAGCCATTCTCTGGACACTTGCCCTTAAAAAAAAAAAAAAACTT-3'

ClinVar aggregate classification (germline): Pathogenic (1 of 4 stars; one submission).

Submission:

Labcorp Genetics (formerly Invitae), Labcorp
Classification: Pathogenic. Last evaluated: 2023-12-30. Review status: criteria provided, single submitter. Criteria: Invitae Variant Classification Sherloc (09022015). Collection method: clinical testing. Allele origin: germline.
Comment: This sequence change creates a premature translational stop signal (p.Glu52Asnfs*16) in the SEPSECS gene. It is expected to result in an absent or disrupted protein product. Loss-of-function variants in SEPSECS are known to be pathogenic (PMID: 25558065, 25590979, 26115735). This variant is not present in population databases (gnomAD no frequency). This variant has not been reported in the literature in individuals affected with SEPSECS-related conditions. ClinVar contains an entry for this variant (Variation ID: 1361835). Algorithms developed to predict the effect of sequence changes on RNA splicing suggest that this variant may disrupt the consensus splice site. For these reasons, this variant has been classified as Pathogenic.

Literature cited by the submitters: PubMed 25558065; PubMed 25590979; PubMed 26115735.